The following is an entry in ClinVar:

NM_052874.5(STX1B):c.538-7A>G

Gene: STX1B (syntaxin 1B; minus strand). Cytogenetic location: 16p11.2.
Variant type: single nucleotide variant.
Coding change: c.538-7A>G on transcript NM_052874.5 (MANE Select); 7 bases into the intron before coding-DNA position 538, A replaced by G.
Molecular consequence: intron variant.
Genome position (GRCh38, 1-based): chr16:30,993,491, T>C on the plus strand (A>G on the coding strand, the complement: STX1B is on the minus strand). VCF-style: chr16-30993491-T-C. GRCh37 (hg19) VCF-style: chr16-31004812-T-C.
Other names: p.?; c.538-7A>G (NM_052874.3).
Identifiers: ClinVar variation 586685 (VCV000586685.22), dbSNP rs12445568, ClinGen allele CA8018323.
Genomic context (GRCh38, chr16:30,993,491, plus strand): 5'-CCTCGTCTCAATCTCATTCAGCGCCTGCTTCGTCATCTGTGAGTCCATTTTGATCTAGGG[T>C]GACGAGGGAGAGAGCTACAATCACCCTTCTCCGCCATGAGCGCCTCCACCGCAGTGGAGT-3'

ClinVar aggregate classification (germline): Benign. Review status: criteria provided, multiple submitters, no conflicts (2 of 4 stars). 9 submissions from 9 submitters: Benign (9). Last evaluated 2026-02-04.

Conditions:
Inborn genetic diseases. Identifiers: MedGen C0950123, MeSH D030342.
Generalized epilepsy with febrile seizures plus, type 9 (GEFSP9). Also called: GEFS+, TYPE 9. Identifiers: Orphanet 36387, MedGen C4015395, MONDO:0014517, OMIM 616172.

Allele frequency attached by ClinVar (database versions not stated): ESP Exome Variant Server 0.36117; TOPMed 0.36630; gnomAD 0.36808 and 0.37509; gnomAD exomes 0.38223 and 0.39154; ExAC 0.39717; 1000 Genomes Project 0.39776; 1000 Genomes Project 30x 0.40006.
gnomAD v4.1: 614,362 of 1,612,364 alleles (38%); highest among the groups gnomAD compares: South Asian, 67%; 123,874 homozygotes.

Submissions (9):

Labcorp Genetics (formerly Invitae), Labcorp
Classification: Benign for Generalized epilepsy with febrile seizures plus, type 9. Last evaluated: 2026-02-04. Review status: criteria provided, single submitter. Criteria: Invitae Variant Classification Sherloc (09022015). Collection method: clinical testing. Allele origin: germline.

Blueprint Genetics
Classification: Benign. Last evaluated: 2024-11-27. Review status: criteria provided, single submitter. Criteria: ACMG Guidelines, 2015. Collection method: clinical testing. Allele origin: germline.

Unidad de Genómica Garrahan, Hospital de Pediatría Garrahan
Classification: Benign. Last evaluated: 2024-07-15. Review status: criteria provided, single submitter. Criteria: ACMG Guidelines, 2015. Collection method: clinical testing. Allele origin: germline. Affected: no. Observed: 54 variant alleles.
Comment: This variant is classified as Benign based on local population frequency. This variant was detected in 58% of patients studied in a panel designed for Epileptic and Developmental Encephalopathy and Progressive Myoclonus Epilepsy. Number of patients: 54. Only high quality variants are reported.

Genome-Nilou Lab
Classification: Benign for Generalized epilepsy with febrile seizures plus, type 9. Last evaluated: 2021-07-15. Review status: criteria provided, single submitter. Criteria: ACMG Guidelines, 2015. Collection method: clinical testing. Allele origin: germline. Affected: no.

GeneDx
Classification: Benign. Last evaluated: 2018-07-09. Review status: criteria provided, single submitter. Criteria: GeneDx Variant Classification Process June 2021. Collection method: clinical testing. Allele origin: germline. Affected: yes.

Mayo Clinic Laboratories, Mayo Clinic
Classification: Benign. Last evaluated: 2018-04-02. Review status: criteria provided, single submitter. Criteria: ACMG Guidelines, 2015. Collection method: clinical testing. Allele origin: germline. Observed: 292 variant alleles.

Athena Diagnostics
Classification: Benign. Last evaluated: 2017-04-20. Review status: criteria provided, single submitter. Criteria: Athena Diagnostics Criteria. Collection method: clinical testing. Allele origin: germline.

Ambry Genetics
Classification: Benign for Inborn genetic diseases. Last evaluated: 2016-05-31. Review status: criteria provided, single submitter. Criteria: Ambry Variant Classification Scheme 2023. Collection method: clinical testing. Allele origin: germline.

Breakthrough Genomics
Classification: Benign. Review status: criteria provided, single submitter. Criteria: ACMG Guidelines, 2015. Collection method: not provided. Allele origin: germline. Inheritance: Autosomal dominant inheritance. Affected: yes.